The following is an entry in ClinVar:

ClinVar aggregate classification (germline): Uncertain significance (1 of 4 stars; one submission).

Submission:

Labcorp Genetics (formerly Invitae), Labcorp
Classification: Uncertain significance. Last evaluated: 2021-09-21. Review status: criteria provided, single submitter. Criteria: Invitae Variant Classification Sherloc (09022015). Collection method: clinical testing. Allele origin: germline.
Comment: This sequence change replaces serine with threonine at codon 285 of the VAV1 protein (p.Ser285Thr). The serine residue is highly conserved and there is a small physicochemical difference between serine and threonine. In summary, the available evidence is currently insufficient to determine the role of this variant in disease. Therefore, it has been classified as a Variant of Uncertain Significance. Algorithms developed to predict the effect of missense changes on protein structure and function are either unavailable or do not agree on the potential impact of this missense change (SIFT: "Deleterious"; PolyPhen-2: "Probably Damaging"; Align-GVGD: "Class C0"). This variant has not been reported in the literature in individuals affected with VAV1-related conditions. This variant is not present in population databases (ExAC no frequency).

NM_005428.4(VAV1):c.854G>C (p.Ser285Thr)

Gene: VAV1 (vav guanine nucleotide exchange factor 1; plus strand). Cytogenetic location: 19p13.3.
Variant type: single nucleotide variant.
Coding change: c.854G>C on transcript NM_005428.4 (MANE Select); coding-DNA position 854, G replaced by C.
Protein change: p.Ser285Thr; replaces serine 285 with threonine.
Molecular consequence: missense variant.
Genome position (GRCh38, 1-based): chr19:6,826,638, G>C. VCF-style: chr19-6826638-G-C. GRCh37 (hg19) VCF-style: chr19-6826649-G-C.
Other names: c.854G>C, p.Ser285Thr (NM_001258206.2); c.758G>C, p.Ser253Thr (NM_001258207.2); short protein forms S253T, S285T.
Identifiers: ClinVar variation 1380717 (VCV001380717.6), dbSNP rs2144779299, ClinGen allele CA403618919.